The following is an entry in ClinVar:

NM_005045.4(RELN):c.7764C>T (p.Asn2588=)

Gene: RELN (reelin; minus strand). Cytogenetic location: 7q22.1.
Variant type: single nucleotide variant.
Coding change: c.7764C>T on transcript NM_005045.4 (MANE Select); coding-DNA position 7764, C replaced by T.
Protein change: p.Asn2588=; no amino-acid change (asparagine 2588 retained).
Molecular consequence: synonymous variant.
Genome position (GRCh38, 1-based): chr7:103,519,421, G>A on the plus strand (C>T on the coding strand, the complement: RELN is on the minus strand). VCF-style: chr7-103519421-G-A. GRCh37 (hg19) VCF-style: chr7-103159868-G-A.
Other names: c.7764C>T, p.Asn2588= (NM_173054.3).
Identifiers: ClinVar variation 2571290 (VCV002571290.27), dbSNP rs2484748281, ClinGen allele CA457030052.

ClinVar aggregate classification (germline): Likely benign (1 of 4 stars; one submission).

Allele frequency attached by ClinVar (database versions not stated): gnomAD exomes below 0.00001.
gnomAD v4.1: 2 of 1,613,638 alleles (0.00012%); highest among the groups gnomAD compares: Non-Finnish European, 0.00017%; no homozygotes.

Submission:

CeGaT Center for Human Genetics Tuebingen
Classification: Likely benign. Last evaluated: 2023-05-01. Review status: criteria provided, single submitter. Criteria: CeGaT Center For Human Genetics Tuebingen Variant Classification Criteria Version 2. Collection method: clinical testing. Allele origin: germline. Affected: yes. Observed: 1 variant allele.
Comment: RELN: PM2:Supporting, BP4, BP7